The following is an entry in ClinVar:

ClinVar aggregate classification (germline): Conflicting classifications of pathogenicity. Review status: criteria provided, conflicting classifications (1 of 4 stars). 2 submissions from 2 submitters: Uncertain significance (1); Likely benign (1). Last evaluated 2026-01-24.

Conditions:
Niemann-Pick disease, type C1. Also called: NIEMANN-PICK DISEASE, VARIANT TYPE C1; NEUROVISCERAL STORAGE DISEASE WITH VERTICAL SUPRANUCLEAR OPHTHALMOPLEGIA; NIEMANN-PICK DISEASE WITH CHOLESTEROL ESTERIFICATION BLOCK; NIEMANN-PICK DISEASE WITHOUT SPHINGOMYELINASE DEFICIENCY; NIEMANN-PICK DISEASE, CHRONIC NEURONOPATHIC FORM. Identifiers: Orphanet 646, MedGen C3179455, MONDO:0009757, OMIM 257220.

Allele frequency attached by ClinVar (database versions not stated): TOPMed below 0.00001; gnomAD 0.00001; gnomAD exomes 0.00002.

Submissions (2):

Labcorp Genetics (formerly Invitae), Labcorp
Classification: Likely benign for Niemann-Pick disease, type C1. Last evaluated: 2026-01-24. Review status: criteria provided, single submitter. Criteria: Invitae Variant Classification Sherloc (09022015). Collection method: clinical testing. Allele origin: germline.

GeneDx
Classification: Uncertain significance. Last evaluated: 2019-07-26. Review status: criteria provided, single submitter. Criteria: GeneDx Variant Classification Process June 2021. Collection method: clinical testing. Allele origin: germline. Affected: yes.
Comment: Not observed in large population cohorts (Lek et al., 2016); Has not been previously published as pathogenic or benign to our knowledge; In-silico analysis, which includes splice predictors and evolutionary conservation, is inconclusive as to whether the variant alters gene splicing. In the absence of RNA/functional studies, the actual effect of this sequence change is unknown.

NM_000271.5(NPC1):c.3592-9_3592-8del

Gene: NPC1 (NPC intracellular cholesterol transporter 1; minus strand). Cytogenetic location: 18q11.2.
Variant type: Deletion.
Coding change: c.3592-9_3592-8del on transcript NM_000271.5 (MANE Select); 9 bases into the intron before coding-DNA position 3592 through 8 bases into the intron before coding-DNA position 3592, 2 bases deleted (TT; older notation c.3592-9_3592-8delTT).
Molecular consequence: intron variant.
Genome position (GRCh38, 1-based): chr18:23,533,525-23,533,526, AA deleted on the plus strand (TT on the coding strand, the reverse complement: NPC1 is on the minus strand). VCF-style (leftmost placement, unchanged base first): chr18-23533524-GAA-G. GRCh37 (hg19) VCF-style: chr18-21113488-GAA-G.
Identifiers: ClinVar variation 1130277 (VCV001130277.10), dbSNP rs1376430791, ClinGen allele CA777713936.
Genomic context (GRCh38, chr18:23,533,524, plus strand): 5'-AAAAGCCAACACCACAATCCCTCCAAATTTTGTAAGTGTGATTCCACTGAACACCTAAAA[GAA>G]GAGATACTGTGTTAGAAACCACTTTTACCAACCTGTAATTGAACAAAAACACTTCCTTAC-3'